The following is an entry in ClinVar:

ClinVar aggregate classification (germline): Likely benign. Review status: criteria provided, multiple submitters, no conflicts (2 of 4 stars). 2 submissions from 2 submitters: Likely benign (2). Last evaluated 2025-05-01.

Allele frequency attached by ClinVar (database versions not stated): TOPMed below 0.00001; ExAC 0.00001; gnomAD 0.00001; gnomAD exomes 0.00001.
gnomAD v4.1: 8 of 1,610,158 alleles (0.0005%); highest among the groups gnomAD compares: South Asian, 0.0044%; no homozygotes.

Submissions (2):

CeGaT Center for Human Genetics Tuebingen
Classification: Likely benign. Last evaluated: 2025-05-01. Review status: criteria provided, single submitter. Criteria: CeGaT Center For Human Genetics Tuebingen Variant Classification Criteria Version 2. Collection method: clinical testing. Allele origin: germline. Affected: yes. Observed: 1 variant allele.
Comment: ASXL2: BP4, BP7

Labcorp Genetics (formerly Invitae), Labcorp
Classification: Likely benign. Last evaluated: 2024-09-06. Review status: criteria provided, single submitter. Criteria: Invitae Variant Classification Sherloc (09022015). Collection method: clinical testing. Allele origin: germline.

NM_018263.6(ASXL2):c.1890G>A (p.Pro630=)

Gene: ASXL2 (ASXL transcriptional regulator 2; minus strand). Cytogenetic location: 2p23.3.
Variant type: single nucleotide variant.
Coding change: c.1890G>A on transcript NM_018263.6 (MANE Select); coding-DNA position 1890, G replaced by A.
Protein change: p.Pro630=; no amino-acid change (proline 630 retained).
Molecular consequence: synonymous variant.
Genome position (GRCh38, 1-based): chr2:25,744,447, C>T on the plus strand (G>A on the coding strand, the complement: ASXL2 is on the minus strand). VCF-style: chr2-25744447-C-T. GRCh37 (hg19) VCF-style: chr2-25967316-C-T.
Other names: c.1716G>A, p.Pro572= (NM_001369346.1); c.1110G>A, p.Pro370= (NM_001369347.1).
Identifiers: ClinVar variation 2777484 (VCV002777484.13), dbSNP rs754898134, ClinGen allele CA1557727.